The following is an entry in ClinVar:

NM_004104.5(FASN):c.4233C>G (p.Ser1411Arg)

Gene: FASN (fatty acid synthase; minus strand). Cytogenetic location: 17q25.3.
Variant type: single nucleotide variant.
Coding change: c.4233C>G on transcript NM_004104.5 (MANE Select); coding-DNA position 4233, C replaced by G.
Protein change: p.Ser1411Arg; replaces serine 1411 with arginine.
Molecular consequence: missense variant.
Genome position (GRCh38, 1-based): chr17:82,085,292, G>C on the plus strand (C>G on the coding strand, the complement: FASN is on the minus strand). VCF-style: chr17-82085292-G-C. GRCh37 (hg19) VCF-style: chr17-80043168-G-C.
Other names: short protein forms S1411R.
Identifiers: ClinVar variation 957392 (VCV000957392.9), dbSNP rs947020826, ClinGen allele CA295129912.

ClinVar aggregate classification (germline): Uncertain significance. Review status: criteria provided, multiple submitters, no conflicts (2 of 4 stars). 2 submissions from 2 submitters: Uncertain significance (2). Last evaluated 2025-11-05.

Conditions:
Epileptic encephalopathy. Identifiers: MedGen C0543888, HP:0200134.

Allele frequency attached by ClinVar (database versions not stated): gnomAD 0.00001; TOPMed 0.00003.

Submissions (2):

Labcorp Genetics (formerly Invitae), Labcorp
Classification: Uncertain significance for Epileptic encephalopathy. Last evaluated: 2025-11-05. Review status: criteria provided, single submitter. Criteria: Invitae Variant Classification Sherloc (09022015). Collection method: clinical testing. Allele origin: germline.
Comment: This sequence change replaces serine, which is neutral and polar, with arginine, which is basic and polar, at codon 1411 of the FASN protein (p.Ser1411Arg). This variant is not present in population databases (gnomAD no frequency). This variant has not been reported in the literature in individuals affected with FASN-related conditions. ClinVar contains an entry for this variant (Variation ID: 957392). An algorithm developed to predict the effect of missense changes on protein structure and function (PolyPhen-2) suggests that this variant is likely to be tolerated. In summary, the available evidence is currently insufficient to determine the role of this variant in disease. Therefore, it has been classified as a Variant of Uncertain Significance.

Ambry Genetics
Classification: Uncertain significance. Last evaluated: 2023-12-01. Review status: criteria provided, single submitter. Criteria: Ambry Variant Classification Scheme 2023. Collection method: clinical testing. Allele origin: germline.